The following is an entry in ClinVar:

NM_000228.3(LAMB3):c.2069A>G (p.Asn690Ser)

Gene: LAMB3 (laminin subunit beta 3; minus strand). Cytogenetic location: 1q32.2.
Variant type: single nucleotide variant.
Coding change: c.2069A>G on transcript NM_000228.3 (MANE Select); coding-DNA position 2069, A replaced by G.
Protein change: p.Asn690Ser; replaces asparagine 690 with serine.
Molecular consequence: missense variant.
Genome position (GRCh38, 1-based): chr1:209,623,908, T>C on the plus strand (A>G on the coding strand, the complement: LAMB3 is on the minus strand). VCF-style: chr1-209623908-T-C. GRCh37 (hg19) VCF-style: chr1-209797253-T-C.
Other names: c.2069A>G, p.Asn690Ser (NM_001017402.2, NM_001127641.1); short protein forms N690S.
Identifiers: ClinVar variation 295096 (VCV000295096.18), dbSNP rs2229466, ClinGen allele CA1375392.
Genomic context (GRCh38, chr1:209,623,908, plus strand): 5'-TCAGCACTGCTTATTTTTTCAAACTGCTCCCTCTTCCTCTGATACATAGTAAGGAGACCA[T>C]TGAAGCTTCTGTCAAGACTCTCCAGGTCTCTCGGAAGGGACAACGTCTCCTCCTCCAGGG-3'
Protein context (NP_000219.2, residues 680-700): RDLESLDRSF[Asn690Ser]GLLTMYQRKR

ClinVar aggregate classification (germline): Benign. Review status: criteria provided, multiple submitters, no conflicts (2 of 4 stars). 7 submissions from 5 submitters: Benign (7). Last evaluated 2026-02-04.

Conditions:
Amelogenesis imperfecta type 1A. Also called: Amelogenesis imperfecta local hypoplastic; Amelogenesis imperfecta, hypoplastic type; Amelogenesis imperfecta, type IA; AMELOGENESIS IMPERFECTA, HYPOPLASTIC TYPE IA. Identifiers: Orphanet 88661, MedGen C4011403, MONDO:0007094, OMIM 104530.
Junctional epidermolysis bullosa. Identifiers: Orphanet 305, MedGen C0079301, MONDO:0017612.
Junctional epidermolysis bullosa, non-Herlitz type. Also called: EPIDERMOLYSIS BULLOSA JUNCTIONALIS, DISENTIS TYPE; EPIDERMOLYSIS BULLOSA JUNCTIONALIS, NON-HERLITZ TYPE; EPIDERMOLYSIS BULLOSA JUNCTIONALIS, PROGRESSIVE; EPIDERMOLYSIS BULLOSA JUNCTIONALIS, SEVERE NONLETHAL; Adult junctional epidermolysis bullosa; Epidermolysis bullosa, junctional, non-herlitz type, somatic mosaic revertant. Identifiers: Orphanet 251393, Orphanet 79402, Orphanet 79405, Orphanet 89840, MedGen C0268374, MONDO:0009180, OMIM 226650.
Junctional epidermolysis bullosa gravis of Herlitz. Also called: EPIDERMOLYSIS BULLOSA JUNCTIONALIS, HERLITZ TYPE; EPIDERMOLYSIS BULLOSA, JUNCTIONAL, HERLITZ-PEARSON TYPE; JEB-HERLITZ TYPE; Epidermolysis Bullosa Letalis; Herlitz-type junctional epidermolysis bullosa; EPIDERMOLYSIS BULLOSA, JUNCTIONAL 1B, SEVERE. Identifiers: Orphanet 79404, MedGen C0079683, MONDO:0009182, OMIM 226700.

Allele frequency attached by ClinVar (database versions not stated): ESP Exome Variant Server 0.01699; gnomAD 0.02614 and 0.03184; TOPMed 0.03498; gnomAD exomes 0.03735 and 0.05898; ExAC 0.05555; 1000 Genomes Project 30x 0.08276; 1000 Genomes Project 0.08946.
gnomAD v4.1: 59,986 of 1,613,978 alleles (3.7%); highest among the groups gnomAD compares: East Asian, 26%; 2,944 homozygotes.

Submissions (7):

Labcorp Genetics (formerly Invitae), Labcorp
Classification: Benign. Last evaluated: 2026-02-04. Review status: criteria provided, single submitter. Criteria: Invitae Variant Classification Sherloc (09022015). Collection method: clinical testing. Allele origin: germline.

GeneDx
Classification: Benign. Last evaluated: 2021-10-27. Review status: criteria provided, single submitter. Criteria: GeneDx Variant Classification Process June 2021. Collection method: clinical testing. Allele origin: germline. Affected: yes.

Genome-Nilou Lab
Classification: Benign for Amelogenesis imperfecta type 1A. Last evaluated: 2021-07-08. Review status: criteria provided, single submitter. Criteria: ACMG Guidelines, 2015. Collection method: clinical testing. Allele origin: germline. Affected: no.

Genome-Nilou Lab
Classification: Benign for Junctional epidermolysis bullosa gravis of Herlitz. Last evaluated: 2021-07-08. Review status: criteria provided, single submitter. Criteria: ACMG Guidelines, 2015. Collection method: clinical testing. Allele origin: germline. Affected: no.

Genome-Nilou Lab
Classification: Benign for Junctional epidermolysis bullosa, non-Herlitz type. Last evaluated: 2021-07-08. Review status: criteria provided, single submitter. Criteria: ACMG Guidelines, 2015. Collection method: clinical testing. Allele origin: germline. Affected: no.

Illumina Laboratory Services, Illumina
Classification: Benign for Junctional epidermolysis bullosa. Last evaluated: 2018-01-13. Review status: criteria provided, single submitter. Criteria: ICSL Variant Classification Criteria 13 December 2019. Collection method: clinical testing. Allele origin: germline.
Comment: This variant was observed in the ICSL laboratory as part of a predisposition screen in an ostensibly healthy population. It had not been previously curated by ICSL or reported in the Human Gene Mutation Database (HGMD: prior to June 1st, 2018), and was therefore a candidate for classification through an automated scoring system. Utilizing variant allele frequency, disease prevalence and penetrance estimates, and inheritance mode, an automated score was calculated to assess if this variant is too frequent to cause the disease. Based on the score and internal cut-off values, a variant classified as benign is not then subjected to further curation. The score for this variant resulted in a classification of benign for this disease.

Breakthrough Genomics
Classification: Benign. Review status: criteria provided, single submitter. Criteria: ACMG Guidelines, 2015. Collection method: not provided. Allele origin: germline. Inheritance: Autosomal recessive inheritance. Affected: yes.